The following continues an entry in ClinVar:

NM_007194.4(CHEK2):c.349A>G (p.Arg117Gly)

Gene: CHEK2. ClinVar aggregate classification (germline): Pathogenic/Likely pathogenic. Pathogenic (13); Likely pathogenic (36).

Submissions 12 to 26 of 59:

Ambry Genetics
Classification: Likely pathogenic for Hereditary cancer-predisposing syndrome. Last evaluated: 2025-09-24. Review status: criteria provided, single submitter. Criteria: Ambry Variant Classification Scheme 2023. Collection method: clinical testing. Allele origin: germline.
Comment: The p.R117G variant (also known as c.349A>G), located in coding exon 2 of the CHEK2 gene, results from an A to G substitution at nucleotide position 349. The arginine at codon 117 is replaced by glycine, an amino acid with dissimilar properties. This alteration has been identified in many cancer cases including familial breast/ovarian, pancreatic and colorectal and prostate cancer cohorts (Sodha N et al. Br. J. Cancer. 2002 Dec;87:1445-8; Kleibl Z et al. Breast Cancer Res. Treat. 2008 Nov;112:159-64; Desrichard A et al. Breast Cancer Res. 2011 Nov;13:R119; Le Calvez-Kelm F et al. Breast Cancer Res. 2011 Jan;13:R6; Moran O et al. Breast Cancer Res. Treat. 2017 Jan;161:135-142; Pinto P et al. Breast Cancer Res. Treat. 2016 Sep;159:245-56; Schutte M et al. Am. J. Hum. Genet. 2003 Apr;72:1023-8). This variant has also been reported to be a possible European founder variant leading to a significant increase in prostate cancer risk (Brand&atilde;o A et al. Cancers (Basel). 2020 Nov;12(11)). Multiple functional studies have found that this variant is abnormal with respect to protein stability and kinase activity (Sodha N et al. Cancer Res. 2006 Sep;66:8966-70; Chrisanthar R et al. PLoS One. 2008 Aug;3:e3062; Roeb W et al. Hum. Mol. Genet. 2012 Jun;21:2738-44; Wu X et al. Hum. Mutat. 2006 Aug;27:742-7; Delimitsou A et al. Hum. Mutat. 2019 May;40(5):631-648; Boonen RACM et al. Cancer Res, 2022 Feb;82:615-631). This alteration was also more frequent in breast cancer cases than controls in a study from the Breast Cancer Association Consortium (BCAC) (Southey MC et al. J. Med. Genet., 2016 12;53:800-811). This amino acid position is highly conserved in available vertebrate species. In addition, this alteration is predicted to be deleterious by in silico analysis. Based on the majority of available evidence to date, this variant is likely to be pathogenic.

Institute of Human Genetics, Heidelberg University
Classification: Likely pathogenic for CHEK2-related cancer predisposition. Last evaluated: 2025-08-29. Review status: criteria provided, single submitter. Criteria: ACMG Guidelines, 2015. Collection method: clinical testing. Allele origin: paternal. Observed: 2 variant alleles.
Comment: PS4; PM2_supp; PP3

Genetics Laboratory, Great Ormond Street Hospital NHS Foundation Trust, North Thames Genomic Laboratory Hub
Classification: Likely pathogenic for Inherited breast cancer and ovarian cancer. Last evaluated: 2025-07-23. Review status: criteria provided, single submitter. Criteria: CanVIG CHEK2 Gene Specific V1.2. Collection method: clinical testing. Allele origin: germline. Affected: yes.
Comment: PS4_strong, PP3_supporting, PS3_supporting

Color Diagnostics, LLC DBA Color Health
Classification: Likely pathogenic for Hereditary cancer-predisposing syndrome. Last evaluated: 2025-06-23. Review status: criteria provided, single submitter. Criteria: ACMG Guidelines, 2015. Collection method: clinical testing. Allele origin: germline.
Comment: This missense variant replaces arginine with glycine at codon 117 in the FHA domain of the CHEK2 protein. Computational prediction suggests that this variant may have deleterious impact on protein structure and function. Functional studies have shown that this variant causes reduced kinase activity, reduced protein stability, incomplete phosphorylation of CHEK2 protein and defective DNA damage repair (PMID: 16835864, 16982735, 18725978, 22419737, 30851065, 34903604, 37449874). This variant has been reported in individuals affected with breast cancer (PMID: 12454775, 12610780, 18058223, 21244692, 22114986, 23555315, 25503501, 27553368, 27798748, 28503720, 30128536, 31263054, 33030641, 33326660, 33803639, 35264596, 36315097), colorectal cancer (PMID: 30256826), prostate cancer (PMID: 33158149), and pancreatic cancer (PMID: 29922827, 29945567). Large case-control studies have shown that this variant is associated with an increased risk of breast cancer (OR 2.26, 95% CI [1.29 to 3.95], PMID: 27595995OR=2.936, 95%CI [1.823 to 4.73], PMID: 33471991OR=2.83, 95% CI [2.35 to 3.41], PMID: 37449874). This variant has been identified in 32/282632 chromosomes in the general population by the Genome Aggregation Database (gnomAD). In summary, this variant has been shown to cause partial loss of CHEK2 protein function and is associated with an increased risk of breast cancer. Based on the available evidence, this variant is classified as Likely Pathogenic.

Clinical Genetics Laboratory, University Hospital Schleswig-Holstein
Classification: Likely pathogenic for CHEK2-related cancer predisposition. Last evaluated: 2025-05-06. Review status: criteria provided, single submitter. Criteria: ACMG Guidelines, 2015. Collection method: clinical testing. Allele origin: germline. Affected: yes. Observed: 1 heterozygote.
Comment: ACMG criteria applied: PS4, PP3, BP1, PS3_Moderate, PP1

Unidad de Genética Molecular HGU Elche, Hospital General Universitario de Elche
Classification: Likely pathogenic for Hereditary cancer-predisposing syndrome. Last evaluated: 2025-05-05. Review status: criteria provided, single submitter. Criteria: ACMG Guidelines, 2015. Collection method: clinical testing. Allele origin: germline. Affected: yes.
Comment: PP5 very strong; PP3 supporting; PM2 supporting; BP1 supporting

NHS Central & South Genomic Laboratory Hub
Classification: Likely pathogenic for Inherited breast cancer and ovarian cancer. Last evaluated: 2025-04-09. Review status: criteria provided, single submitter. Criteria: ACMG Guidelines, 2015. Collection method: clinical testing. Allele origin: germline. Affected: yes.

Department of Clinical Genetics, Copenhagen University Hospital, Rigshospitalet
Classification: Likely pathogenic for Hereditary cancer-predisposing syndrome. Last evaluated: 2025-02-04. Review status: criteria provided, single submitter. Criteria: ACMG Guidelines, 2015. Collection method: clinical testing. Allele origin: germline.
Comment: PP3; PS3_SUP; PS4

Blueprint Genetics
Classification: Pathogenic for CHEK2-related disorders. Last evaluated: 2024-10-31. Review status: criteria provided, single submitter. Criteria: ACMG Guidelines, 2015. Collection method: clinical testing. Allele origin: germline. Affected: yes. Observed: 5 variant alleles.

Institute for Genomic Medicine (IGM) Clinical Laboratory, Nationwide Children's Hospital
Classification: Likely pathogenic for CHEK2-related cancer predisposition. Last evaluated: 2024-10-28. Review status: criteria provided, single submitter. Criteria: ACMG Guidelines, 2015. Collection method: clinical testing. Allele origin: germline.
Comment: Well-established functional studies have demonstrated this variant to have a damaging effect on protein function or splicing (ACMG/AMP: PS3; PMIDs:39146382, 16982735, 22419737). This variant has been reported at an elevated frequency in affected individuals/in multiple affected individuals in the literature (ACMG/AMP: PS4_Moderate; PMIDs:12454775, 12610780, 21244692, 28503720). This variant is predicted to alter protein function or structure, or disrupt splicing by multiple in silico tools (ACMG/AMP: PP3).

Molecular Diagnostics Laboratory, Catalan Institute of Oncology
Classification: Likely pathogenic for Hereditary cancer-predisposing syndrome. Last evaluated: 2024-10-08. Review status: criteria provided, single submitter. Criteria: ACMG Guidelines, 2015. Collection method: clinical testing. Allele origin: germline.
Comment: PS3, PS4_Moderate, PP3_Moderate c.349A>G, located in exon 3 of the CHEK2 gene, replaces arginine with glycine at codon 117 of the CHEK2 protein, p.(Arg117Gly). This amino acid position is highly conserved in available vertebrate species, FHA-domain (115-175 aa). This variant is found in 22/117950 with a filtering allele frequency of 0.01% in the gnomAD v2.1.1 database (European non-Finnish non-cancer data set). The SpliceAI algorithm predicts no significant impact on splicing. The REVEL meta-predictor score for this variant (0.93) suggests a deleterious effect on protein function according to Pejaver 2022 thresholds (PMID: 36413997)(PP3_Moderate). Functional studies have shown that this variant causes reduced kinase activity, reduced protein stability, incomplete phosphorylation of CHEK2 protein, defective DNA damage repair in a yeast based assay (PMID: 16835864, PMID: 16982735, PMID: 18725978, PMID: 22419737, PMID: 30851065). Also, a recent CHEK2-complementation assay quantifying KAP1 phosphorylation and CHK2 autophosphorylation in human RPE1–CHEK2-knockout cells has shown a deleterious effect (PMID: 37449874)(PS3). Southey 2016 (PMID: 27595995) reported that CHEK2 c.349A>G variant is associated with breast cancer risk (OR 2.26 (95% CI 1.29 to 3.95)(PS4_Moderate). It has been reported in the ClinVar (10x pathogenic, 31x likely pathogenic) and the LOVD (8x likely pathogenic, 2x not provided) databases. Based on currently available information, c.349A>G is classified as a likely pathogenic variant according to ACMG guidelines.

Molecular Pathology, Peter Maccallum Cancer Centre
Classification: Likely pathogenic for Familial cancer of breast. Last evaluated: 2024-07-03. Review status: criteria provided, single submitter. Criteria: ACMG Guidelines, 2015. Collection method: clinical testing. Allele origin: germline. Inheritance: Autosomal dominant inheritance.

Fulgent Genetics
Classification: Likely pathogenic for Familial prostate cancer; Bone osteosarcoma; CHEK2-related cancer predisposition. Last evaluated: 2024-06-07. Review status: criteria provided, single submitter. Criteria: ACMG Guidelines, 2015. Collection method: clinical testing. Allele origin: germline.

Genetic Services Laboratory, University of Chicago
Classification: Pathogenic. Last evaluated: 2024-05-15. Review status: criteria provided, single submitter. Criteria: ACMG Guidelines, 2015. Collection method: clinical testing. Allele origin: germline. Affected: yes.
Comment: DNA sequence analysis of the CHEK2 gene demonstrated a sequence change, c.349A>G, in exon 3 that results in an amino acid change, p.Arg117Gly. The p.Arg117Gly change affects a highly conserved amino acid residue located in a domain of the CHEK2 protein that is known to be functional. The p.Arg117Gly substitution appears to be deleterious using several in-silico pathogenicity prediction tools (SIFT, PolyPhen2, REVEL). This pathogenic sequence change has previously been described in several individuals with CHEK2-related cancers, including breast cancer, prostate cancer, and pancreatic cancer (PMID: 31263054, 31206626, 31090900, 29659569, 29945567). This sequence change has been identified to segregate with breast cancer in at least one family (PMID: 12610780). Functional studies indicate that this sequence change impacts function of CHEK2 (PMID: 16982735, 16835864, 18725978). This sequence change has been described in the gnomAD database with a frequency of 0.018% in the overall population (dbSNP rs28909982). These collective evidences indicate that this sequence change is pathogenic.

Baylor Genetics
Classification: Likely pathogenic for Familial cancer of breast. Last evaluated: 2024-03-29. Review status: criteria provided, single submitter. Criteria: ACMG Guidelines, 2015. Collection method: clinical testing. Allele origin: unknown.